The following is an entry in ClinVar:

NM_022436.3(ABCG5):c.719G>A (p.Arg240His)

Genes: DYNC2LI1 (dynein cytoplasmic 2 light intermediate chain 1; plus strand), ABCG5 (ATP binding cassette subfamily G member 5; minus strand). Cytogenetic location: 2p21.
Variant type: single nucleotide variant.
Coding change: c.719G>A on transcript NM_022436.3 (MANE Select); coding-DNA position 719, G replaced by A.
Protein change: p.Arg240His; replaces arginine 240 with histidine.
Molecular consequence: missense variant. On other transcripts: intron variant (2).
Genome position (GRCh38, 1-based): chr2:43,826,437, C>T on the plus strand (G>A on the coding strand, the complement: ABCG5 is on the minus strand). VCF-style: chr2-43826437-C-T. GRCh37 (hg19) VCF-style: chr2-44053576-C-T.
Other names: c.*16-949C>T (NM_001348913.2, NM_001348912.2); short protein forms R240H.
Identifiers: ClinVar variation 1757624 (VCV001757624.4), dbSNP rs555312841, ClinGen allele CA1636552.

ClinVar aggregate classification (germline): Uncertain significance. Review status: criteria provided, multiple submitters, no conflicts (2 of 4 stars). 2 submissions from 2 submitters: Uncertain significance (2). Last evaluated 2026-01-18.

Conditions:
Cardiovascular phenotype. Identifiers: MedGen CN230736.
Sitosterolemia (STSL). Also called: PHYTOSTEROLEMIA. Identifiers: Orphanet 2882, MedGen C0342907, MONDO:0008863.

Allele frequency attached by ClinVar (database versions not stated): 1000 Genomes Project 0.00020; ExAC 0.00002; 1000 Genomes Project 30x 0.00016; gnomAD 0.00002; TOPMed 0.00002.
gnomAD v4.1: 44 of 1,614,062 alleles (0.0027%); highest among the groups gnomAD compares: Non-Finnish European, 0.0034%; no homozygotes.

Submissions (2):

Labcorp Genetics (formerly Invitae), Labcorp
Classification: Uncertain significance for Sitosterolemia. Last evaluated: 2026-01-18. Review status: criteria provided, single submitter. Criteria: Invitae Variant Classification Sherloc (09022015). Collection method: clinical testing. Allele origin: germline.
Comment: This sequence change replaces arginine, which is basic and polar, with histidine, which is basic and polar, at codon 240 of the ABCG5 protein (p.Arg240His). This variant is present in population databases (rs555312841, gnomAD 0.005%). This missense change has been observed in individual(s) with familial hypercholesterolemia (PMID: 32088153). ClinVar contains an entry for this variant (Variation ID: 1757624). An algorithm developed to predict the effect of missense changes on protein structure and function outputs the following: PolyPhen-2: "Benign". The histidine amino acid residue is found in multiple mammalian species, which suggests that this missense change does not adversely affect protein function. In summary, the available evidence is currently insufficient to determine the role of this variant in disease. Therefore, it has been classified as a Variant of Uncertain Significance.

Ambry Genetics
Classification: Uncertain significance for Cardiovascular phenotype. Last evaluated: 2021-08-12. Review status: criteria provided, single submitter. Criteria: Ambry Variant Classification Scheme 2023. Collection method: clinical testing. Allele origin: germline.
Comment: The p.R240H variant (also known as c.719G>A), located in coding exon 6 of the ABCG5 gene, results from a G to A substitution at nucleotide position 719. The arginine at codon 240 is replaced by histidine, an amino acid with highly similar properties. This amino acid position is conserved. In addition, this alteration is predicted to be tolerated by in silico analysis. Since supporting evidence is limited at this time, the clinical significance of this alteration remains unclear.

Literature cited by the submitters: PubMed 32088153 (cited by Labcorp Genetics (formerly Invitae), Labcorp).